The following is an entry in ClinVar:

NM_031443.4(CCM2):c.1326C>T (p.Asp442=)

Gene: CCM2 (CCM2 scaffold protein; plus strand). Cytogenetic location: 7p13.
Variant type: single nucleotide variant.
Coding change: c.1326C>T on transcript NM_031443.4 (MANE Select); coding-DNA position 1326, C replaced by T.
Protein change: p.Asp442=; no amino-acid change (aspartic acid 442 retained).
Molecular consequence: synonymous variant. On other transcripts: non-coding transcript variant (1).
Genome position (GRCh38, 1-based): chr7:45,076,048, C>T. VCF-style: chr7-45076048-C-T. GRCh37 (hg19) VCF-style: chr7-45115647-C-T.
Other names: c.1389C>T, p.Asp463= (NM_001029835.2); c.1152C>T, p.Asp384= (NM_001167934.2); c.1053C>T, p.Asp351= (NM_001167935.2); c.1449C>T, p.Asp483= (NM_001363458.2); c.1275C>T, p.Asp425= (NM_001363459.2).
Identifiers: ClinVar variation 1770010 (VCV001770010.26), dbSNP rs575724801, ClinGen allele CA4247314.

ClinVar aggregate classification (germline): Likely benign. Review status: criteria provided, multiple submitters, no conflicts (2 of 4 stars). 3 submissions from 3 submitters: Likely benign (3). Last evaluated 2026-06-09.

Conditions:
Inborn genetic diseases. Identifiers: MedGen C0950123, MeSH D030342.

Allele frequency attached by ClinVar (database versions not stated): TOPMed 0.00008; ExAC 0.00009; gnomAD 0.00010; gnomAD exomes 0.00019.
gnomAD v4.1: 285 of 1,612,914 alleles (0.018%); highest among the groups gnomAD compares: Non-Finnish European, 0.023%; no homozygotes.

Submissions (3):

Women's Health and Genetics/Laboratory Corporation of America, LabCorp
Classification: Likely benign. Last evaluated: 2026-06-09. Review status: criteria provided, single submitter. Criteria: LabCorp Variant Classification Summary - May 2015. Collection method: clinical testing. Allele origin: germline.

CeGaT Center for Human Genetics Tuebingen
Classification: Likely benign. Last evaluated: 2023-11-01. Review status: criteria provided, single submitter. Criteria: CeGaT Center For Human Genetics Tuebingen Variant Classification Criteria Version 2. Collection method: clinical testing. Allele origin: germline. Affected: yes. Observed: 1 variant allele.
Comment: CCM2: BP4

Ambry Genetics
Classification: Likely benign for Inborn genetic diseases. Last evaluated: 2022-07-17. Review status: criteria provided, single submitter. Criteria: Ambry Variant Classification Scheme 2023. Collection method: clinical testing. Allele origin: germline.